The following is an entry in ClinVar:

ClinVar aggregate classification (germline): Uncertain significance. Review status: criteria provided, multiple submitters, no conflicts (2 of 4 stars). 2 submissions from 2 submitters: Uncertain significance (2). Last evaluated 2024-03-04.

Conditions:
Autosomal dominant nonsyndromic hearing loss 1. Also called: DEAFNESS, AUTOSOMAL DOMINANT 1, WITH OR WITHOUT THROMBOCYTOPENIA; KONIGSMARK SYNDROME. Identifiers: Orphanet 90635, MedGen C1852282, MONDO:0007424, OMIM 124900.
Progressive microcephaly-seizures-cortical blindness-developmental delay syndrome. Also called: Seizures, cortical blindness, and microcephaly syndrome. Identifiers: Orphanet 477814, MedGen C5567650, MONDO:0014714, OMIM 616632.

Submissions (2):

Labcorp Genetics (formerly Invitae), Labcorp
Classification: Uncertain significance for Progressive microcephaly-seizures-cortical blindness-developmental delay syndrome; Autosomal dominant nonsyndromic hearing loss 1. Last evaluated: 2024-03-04. Review status: criteria provided, single submitter. Criteria: Invitae Variant Classification Sherloc (09022015). Collection method: clinical testing. Allele origin: germline.
Comment: This sequence change replaces valine, which is neutral and non-polar, with methionine, which is neutral and non-polar, at codon 500 of the DIAPH1 protein (p.Val500Met). This variant is present in population databases (no rsID available, gnomAD 0.01%). This variant has not been reported in the literature in individuals affected with DIAPH1-related conditions. ClinVar contains an entry for this variant (Variation ID: 904818). Experimental studies and prediction algorithms are not available or were not evaluated, and the functional significance of this variant is currently unknown. In summary, the available evidence is currently insufficient to determine the role of this variant in disease. Therefore, it has been classified as a Variant of Uncertain Significance.

Illumina Laboratory Services, Illumina
Classification: Uncertain significance for Autosomal dominant nonsyndromic hearing loss 1. Last evaluated: 2018-01-13. Review status: criteria provided, single submitter. Criteria: ICSL Variant Classification Criteria 13 December 2019. Collection method: clinical testing. Allele origin: germline.

NM_005219.5(DIAPH1):c.1498G>A (p.Val500Met)

Gene: DIAPH1 (diaphanous related formin 1; minus strand). Cytogenetic location: 5q31.3.
Variant type: single nucleotide variant.
Coding change: c.1498G>A on transcript NM_005219.5 (MANE Select); coding-DNA position 1498, G replaced by A.
Protein change: p.Val500Met; replaces valine 500 with methionine.
Molecular consequence: missense variant.
Genome position (GRCh38, 1-based): chr5:141,575,110, C>T on the plus strand (G>A on the coding strand, the complement: DIAPH1 is on the minus strand). VCF-style: chr5-141575110-C-T. GRCh37 (hg19) VCF-style: chr5-140954677-C-T.
Other names: c.1471G>A, p.Val491Met (NM_001079812.3); c.1498G>A, p.Val500Met (NM_001314007.2); short protein forms V491M, V500M.
Identifiers: ClinVar variation 904818 (VCV000904818.6), dbSNP rs1393807954, ClinGen allele CA361524289.